The following is an entry in ClinVar:

ClinVar aggregate classification (germline): Uncertain significance (1 of 4 stars; one submission).

Conditions:
Familial adenomatous polyposis 1 (FAP1). Also called: FAMILIAL ADENOMATOUS POLYPOSIS 1, ATTENUATED; POLYPOSIS, ADENOMATOUS INTESTINAL. Identifiers: MedGen C2713442, MONDO:0021056, OMIM 175100. Disease mechanism: loss of function.

Allele frequency attached by ClinVar (database versions not stated): gnomAD 0.00001; TOPMed below 0.00001.
gnomAD v4.1: 1 of 1,370,488 alleles (0.000073%); highest among the groups gnomAD compares: African/African-American, 0.0014%; no homozygotes.

Submission:

Labcorp Genetics (formerly Invitae), Labcorp
Classification: Uncertain significance for Familial adenomatous polyposis 1. Last evaluated: 2025-10-18. Review status: criteria provided, single submitter. Criteria: Invitae Variant Classification Sherloc (09022015). Collection method: clinical testing. Allele origin: germline.
Comment: This variant occurs in a non-coding region of the APC gene. It does not change the encoded amino acid sequence of the APC protein. This variant is not present in population databases (gnomAD no frequency). This variant has not been reported in the literature in individuals affected with APC-related conditions. Experimental studies and prediction algorithms are not available or were not evaluated, and the functional significance of this variant is currently unknown. In summary, the available evidence is currently insufficient to determine the role of this variant in disease. Therefore, it has been classified as a Variant of Uncertain Significance.

NM_001127511.3(APC):c.84C>A (p.Gly28=)

Gene: APC (APC regulator of Wnt signaling pathway; plus strand). Cytogenetic location: 5q22.2.
Variant type: single nucleotide variant.
Coding change: c.84C>A on transcript NM_001127511.3; coding-DNA position 84, C replaced by A.
Protein change: p.Gly28=; no amino-acid change (glycine 28 retained).
Molecular consequence: synonymous variant. On other transcripts: 5 prime UTR variant (8), non-coding transcript variant (1), intron variant (5).
Genome position (GRCh38, 1-based): chr5:112,707,801, C>A. VCF-style: chr5-112707801-C-A. GRCh37 (hg19) VCF-style: chr5-112043498-C-A.
Other names: c.-1135C>A (NM_001407470.1, NM_001407472.1); c.-19+152C>A (NM_001407448.1, NM_001407450.1, NM_001407457.1 and 1 more transcripts); c.-43+152C>A (NM_001407453.1); c.-100C>A (NM_001354895.2, NM_001407447.1, NM_001407452.1 and 3 more transcripts); c.84C>A, p.Gly28= (NM_001354897.2, NM_001354902.2, NM_001407446.1).
Identifiers: ClinVar variation 1005257 (VCV001005257.7), dbSNP rs1750609849, ClinGen allele CA1080215127.